The following is an entry in ClinVar:

ClinVar aggregate classification (germline): Likely benign (1 of 4 stars; one submission).

Allele frequency attached by ClinVar (database versions not stated): TOPMed 0.00011; 1000 Genomes Project 30x 0.00031; gnomAD 0.00005; gnomAD exomes 0.00005; ExAC 0.00007.
gnomAD v4.1: 87 of 1,613,290 alleles (0.0054%); highest among the groups gnomAD compares: Middle Eastern, 0.13%; no homozygotes.

Submission:

CeGaT Center for Human Genetics Tuebingen
Classification: Likely benign. Last evaluated: 2022-04-01. Review status: criteria provided, single submitter. Criteria: CeGaT Center For Human Genetics Tuebingen Variant Classification Criteria Version 2. Collection method: clinical testing. Allele origin: germline. Affected: yes. Observed: 1 variant allele.
Comment: PDIA2: BP4, BP7

NM_006849.4(PDIA2):c.603C>T (p.Thr201=)

Gene: PDIA2 (protein disulfide isomerase family A member 2; plus strand). Cytogenetic location: 16p13.3.
Variant type: single nucleotide variant.
Coding change: c.603C>T on transcript NM_006849.4 (MANE Select); coding-DNA position 603, C replaced by T.
Protein change: p.Thr201=; no amino-acid change (threonine 201 retained).
Molecular consequence: synonymous variant.
Genome position (GRCh38, 1-based): chr16:284,940, C>T. VCF-style: chr16-284940-C-T. GRCh37 (hg19) VCF-style: chr16-334940-C-T.
Identifiers: ClinVar variation 2645780 (VCV002645780.24), dbSNP rs200037163, ClinGen allele CA7773068.